The following is an entry in ClinVar:

ClinVar aggregate classification (germline): Uncertain significance. Review status: criteria provided, multiple submitters, no conflicts (2 of 4 stars). 3 submissions from 3 submitters: Uncertain significance (3). Last evaluated 2025-06-10.

Conditions:
Malignant hyperthermia, susceptibility to, 1 (MHS1). Also called: Anesthesia related hyperthermia; Malignant hyperpyrexia; Fulminating hyperpyrexia; Pharmacogenic myopathy; RYR1-Related Malignant Hyperthermia Susceptibility; Malignant hyperthermia suceptibility 1. Identifiers: Orphanet 423, MedGen C2930980, MONDO:0007783, OMIM 145600.

Allele frequency attached by ClinVar (database versions not stated): gnomAD exomes below 0.00001; TOPMed below 0.00001; gnomAD 0.00001.
gnomAD v4.1: 3 of 1,614,046 alleles (0.00019%); highest among the groups gnomAD compares: African/African-American, 0.0027%; no homozygotes.

Submissions (3):

Color Diagnostics, LLC DBA Color Health
Classification: Uncertain significance for Malignant hyperthermia, susceptibility to, 1. Last evaluated: 2025-06-10. Review status: criteria provided, single submitter. Criteria: ACMG Guidelines, 2015. Collection method: clinical testing. Allele origin: germline.
Comment: This missense variant replaces alanine with serine at codon 1440 of the RYR1 protein. Computational prediction suggests that this variant may not impact protein structure and function. To our knowledge, functional studies have not been reported for this variant. This variant has not been reported in individuals affected with RYR1-related disorders in the literature. This variant has been identified in 2/31402 chromosomes in the general population by the Genome Aggregation Database (gnomAD). The available evidence is insufficient to determine the role of this variant in disease conclusively. Therefore, this variant is classified as a Variant of Uncertain Significance.

All of Us Research Program, National Institutes of Health
Classification: Uncertain significance for Malignant hyperthermia, susceptibility to, 1. Last evaluated: 2023-12-01. Review status: criteria provided, single submitter. Criteria: ACMG Guidelines, 2015. Collection method: clinical testing. Allele origin: germline. Inheritance: Autosomal dominant inheritance. Observed: 1 variant allele, 1 heterozygote.
Comment: This study involves interpretation of variants in research participants for the purpose of population health screening. Participant phenotype was not available at the time of variant classification. Additional details can be found in publication PMID: 35346344, PMCID: PMC8962531

PreventionGenetics, part of Exact Sciences
Classification: Uncertain significance. Last evaluated: 2013-10-23. Review status: criteria provided, single submitter. Criteria: ACMG Guidelines, 2015. Collection method: clinical testing. Allele origin: germline.

NM_000540.3(RYR1):c.4318G>T (p.Ala1440Ser)

Gene: RYR1 (ryanodine receptor 1; plus strand). Cytogenetic location: 19q13.2.
Variant type: single nucleotide variant.
Coding change: c.4318G>T on transcript NM_000540.3 (MANE Select); coding-DNA position 4318, G replaced by T.
Protein change: p.Ala1440Ser; replaces alanine 1440 with serine.
Molecular consequence: missense variant.
Genome position (GRCh38, 1-based): chr19:38,477,734, G>T. VCF-style: chr19-38477734-G-T. GRCh37 (hg19) VCF-style: chr19-38968374-G-T.
Other names: c.4318G>T, p.Ala1440Ser (NM_001042723.2); short protein forms A1440S.
Identifiers: ClinVar variation 590531 (VCV000590531.4), dbSNP rs1037124193, ClinGen allele CA308084420.